The following is an entry in ClinVar:

NM_004329.3(BMPR1A):c.1584A>C (p.Gln528His)

Gene: BMPR1A (bone morphogenetic protein receptor type 1A; plus strand). Cytogenetic location: 10q23.2.
Variant type: single nucleotide variant.
Coding change: c.1584A>C on transcript NM_004329.3 (MANE Select); coding-DNA position 1584, A replaced by C.
Protein change: p.Gln528His; replaces glutamine 528 with histidine.
Molecular consequence: missense variant.
Genome position (GRCh38, 1-based): chr10:86,923,704, A>C. VCF-style: chr10-86923704-A-C. GRCh37 (hg19) VCF-style: chr10-88683461-A-C.
Other names: short protein forms Q528H.
Identifiers: ClinVar variation 460491 (VCV000460491.20), dbSNP rs1554891680, ClinGen allele CA377464046.

ClinVar aggregate classification (germline): Uncertain significance. Review status: criteria provided, multiple submitters, no conflicts (2 of 4 stars). 4 submissions from 4 submitters: Uncertain significance (4). Last evaluated 2026-08-06.

Conditions:
Juvenile polyposis syndrome (JPS). Identifiers: Orphanet 2929, MedGen C0345893, MONDO:0017380, OMIM 174900.
Hereditary cancer-predisposing syndrome. Also called: Tumor predisposition; Hereditary neoplastic syndrome; Neoplastic Syndromes, Hereditary; Hereditary Cancer Syndrome. Identifiers: Orphanet 140162, MedGen C0027672, MeSH D009386, MONDO:0015356.

Allele frequency attached by ClinVar (database versions not stated): gnomAD exomes 0.00001.
gnomAD v4.1: 3 of 1,613,804 alleles (0.00019%); highest among the groups gnomAD compares: East Asian, 0.0067%; no homozygotes.

Submissions (4):

OLLIN Analises Genomicas, OLLIN
Classification: Uncertain significance. Last evaluated: 2026-08-06. Review status: criteria provided, single submitter. Criteria: ACMG Guidelines 2015 PMID 25741868. Collection method: clinical testing. Allele origin: germline.
Comment: This missense variant, located in exon 13 (of 13), has been reported in ClinVar (accession VCV000460491.19) and in gnomAD with an allele frequency of 0.00019%. However, to our knowledge, it has not been reported in the scientific literature. In silico analysis is inconclusive regarding the impact of this variant. According to the currently available evidence, this variant has been classified as uncertain significance (PM2_P).

Ambry Genetics
Classification: Uncertain significance for Hereditary cancer-predisposing syndrome. Last evaluated: 2024-05-27. Review status: criteria provided, single submitter. Criteria: Ambry Variant Classification Scheme 2023. Collection method: clinical testing. Allele origin: germline.
Comment: The p.Q528H variant (also known as c.1584A>C), located in coding exon 11 of the BMPR1A gene, results from an A to C substitution at nucleotide position 1584. The glutamine at codon 528 is replaced by histidine, an amino acid with highly similar properties. This amino acid position is highly conserved in available vertebrate species. In addition, the in silico prediction for this alteration is inconclusive. Based on the available evidence, the clinical significance of this variant remains unclear.

Labcorp Genetics (formerly Invitae), Labcorp
Classification: Uncertain significance for Juvenile polyposis syndrome. Last evaluated: 2020-07-15. Review status: criteria provided, single submitter. Criteria: Invitae Variant Classification Sherloc (09022015). Collection method: clinical testing. Allele origin: germline.
Comment: In summary, this variant has uncertain impact on BMPR1A function. The available evidence is currently insufficient to determine its role in disease. Therefore, it has been classified as a Variant of Uncertain Significance. Algorithms developed to predict the effect of missense changes on protein structure and function do not agree on the potential impact of this missense change (SIFT: "Deleterious"; PolyPhen-2: "Probably Damaging"; Align-GVGD: "Class C0"). This variant has not been reported in the literature in individuals with a BMPR1A-related disease. This variant is not present in population databases (ExAC no frequency). This sequence change replaces glutamine with histidine at codon 528 of the BMPR1A protein (p.Gln528His). The glutamine residue is highly conserved and there is a small physicochemical difference between glutamine and histidine.

Color Diagnostics, LLC DBA Color Health
Classification: Uncertain significance for Hereditary cancer-predisposing syndrome. Last evaluated: 2018-11-27. Review status: criteria provided, single submitter. Criteria: ACMG Guidelines, 2015. Collection method: clinical testing. Allele origin: germline.